The following is an entry in ClinVar:

NM_020971.3(SPTBN4):c.5718G>A (p.Ala1906=)

Gene: SPTBN4 (spectrin beta, non-erythrocytic 4; plus strand). Cytogenetic location: 19q13.2.
Variant type: single nucleotide variant.
Coding change: c.5718G>A on transcript NM_020971.3 (MANE Select); coding-DNA position 5718, G replaced by A.
Protein change: p.Ala1906=; no amino-acid change (alanine 1906 retained).
Molecular consequence: synonymous variant.
Genome position (GRCh38, 1-based): chr19:40,560,206, G>A. VCF-style: chr19-40560206-G-A. GRCh37 (hg19) VCF-style: chr19-41066112-G-A.
Other names: c.5718G>A (NM_020971.2); c.1746G>A, p.Ala582= (NM_025213.3).
Identifiers: ClinVar variation 2649907 (VCV002649907.26), dbSNP rs143517137, ClinGen allele CA9446589.

ClinVar aggregate classification (germline): Likely benign. Review status: criteria provided, multiple submitters, no conflicts (2 of 4 stars). 3 submissions from 3 submitters: Likely benign (2). 1 of the submissions does not count toward it. Last evaluated 2024-08-30.

Conditions:
SPTBN4-related disorder. Also called: SPTBN4-related condition.

Allele frequency attached by ClinVar (database versions not stated): gnomAD exomes 0.00030; gnomAD 0.00031; ESP Exome Variant Server 0.00046; ExAC 0.00047.
gnomAD v4.1: 532 of 1,605,952 alleles (0.033%); highest among the groups gnomAD compares: Middle Eastern, 0.13%; 1 homozygote.

Submissions (3):

Blueprint Genetics
Classification: Likely benign. Last evaluated: 2024-08-30. Review status: criteria provided, single submitter. Criteria: ACMG Guidelines, 2015. Collection method: clinical testing. Allele origin: germline.

CeGaT Center for Human Genetics Tuebingen
Classification: Likely benign. Last evaluated: 2022-03-01. Review status: criteria provided, single submitter. Criteria: CeGaT Center For Human Genetics Tuebingen Variant Classification Criteria Version 2. Collection method: clinical testing. Allele origin: germline. Affected: yes. Observed: 1 variant allele.
Comment: SPTBN4: BP4, BP7

PreventionGenetics, part of Exact Sciences
Classification: Benign for SPTBN4-related condition. Last evaluated: 2019-02-20. Review status: no assertion criteria provided. Collection method: clinical testing. Allele origin: germline. Not counted in ClinVar's aggregate classification.
Comment: This variant is classified as benign based on ACMG/AMP sequence variant interpretation guidelines (Richards et al. 2015 PMID: 25741868, with internal and published modifications).